The following is an entry in ClinVar:

ClinVar aggregate classification (germline): Uncertain significance. Review status: criteria provided, multiple submitters, no conflicts (2 of 4 stars). 2 submissions from 2 submitters: Uncertain significance (2). Last evaluated 2025-09-05.

Conditions:
Hereditary cancer-predisposing syndrome. Also called: Neoplastic Syndromes, Hereditary; Tumor predisposition; Hereditary Cancer Syndrome; Hereditary neoplastic syndrome. Identifiers: Orphanet 140162, MedGen C0027672, MeSH D009386, MONDO:0015356.
DICER1-related tumor predisposition. Also called: DICER1-related pleuropulmonary blastoma cancer predisposition syndrome; DICER1 syndrome. Identifiers: Orphanet 284343, MedGen C3839822, MONDO:0100216.

Allele frequency attached by ClinVar (database versions not stated): gnomAD below 0.00001 and 0.00001; ExAC 0.00002; gnomAD exomes 0.00002.
gnomAD v4.1: 8 of 1,613,982 alleles (0.0005%); highest among the groups gnomAD compares: South Asian, 0.0033%; no homozygotes.

Submissions (2):

Labcorp Genetics (formerly Invitae), Labcorp
Classification: Uncertain significance for DICER1-related tumor predisposition. Last evaluated: 2025-09-05. Review status: criteria provided, single submitter. Criteria: Invitae Variant Classification Sherloc (09022015). Collection method: clinical testing. Allele origin: germline.
Comment: This sequence change replaces proline, which is neutral and non-polar, with serine, which is neutral and polar, at codon 1471 of the DICER1 protein (p.Pro1471Ser). This variant is present in population databases (rs764066711, gnomAD 0.003%). This variant has not been reported in the literature in individuals affected with DICER1-related conditions. ClinVar contains an entry for this variant (Variation ID: 543596). Invitae Evidence Modeling of protein sequence and biophysical properties (such as structural, functional, and spatial information, amino acid conservation, physicochemical variation, residue mobility, and thermodynamic stability) indicates that this missense variant is not expected to disrupt DICER1 protein function with a negative predictive value of 95%. In summary, the available evidence is currently insufficient to determine the role of this variant in disease. Therefore, it has been classified as a Variant of Uncertain Significance.

Ambry Genetics
Classification: Uncertain significance for Hereditary cancer-predisposing syndrome. Last evaluated: 2023-09-09. Review status: criteria provided, single submitter. Criteria: Ambry Variant Classification Scheme 2023. Collection method: clinical testing. Allele origin: germline.
Comment: The p.P1471S variant (also known as c.4411C>T), located in coding exon 22 of the DICER1 gene, results from a C to T substitution at nucleotide position 4411. The proline at codon 1471 is replaced by serine, an amino acid with similar properties. This amino acid position is conserved. In addition, this alteration is predicted to be tolerated by in silico analysis. Since supporting evidence is limited at this time, the clinical significance of this alteration remains unclear.

NM_177438.3(DICER1):c.4411C>T (p.Pro1471Ser)

Gene: DICER1 (dicer 1, ribonuclease III; minus strand). Cytogenetic location: 14q32.13.
Variant type: single nucleotide variant.
Coding change: c.4411C>T on transcript NM_177438.3 (MANE Select); coding-DNA position 4411, C replaced by T.
Protein change: p.Pro1471Ser; replaces proline 1471 with serine.
Molecular consequence: missense variant.
Genome position (GRCh38, 1-based): chr14:95,096,509, G>A on the plus strand (C>T on the coding strand, the complement: DICER1 is on the minus strand). VCF-style: chr14-95096509-G-A. GRCh37 (hg19) VCF-style: chr14-95562846-G-A.
Other names: c.4411C>T, p.Pro1471Ser (NM_001195573.1, NM_001271282.3, NM_001291628.2 and 1 more transcripts); short protein forms P1471S.
Identifiers: ClinVar variation 543596 (VCV000543596.11), dbSNP rs764066711, ClinGen allele CA7330851.
Genomic context (GRCh38, chr14:95,096,509, plus strand): 5'-TACCTAAGGAGGATTTTTTGGGCATTTTCCATTCATATGCAGAATCAGTGGTTGAAAAAG[G>A]AGAAAGAGAGATTTTCTTTACAAAAGCTCCTGACCCCATTAACATATTATCTATAAATCT-3'
Protein context (NP_803187.1, residues 1461-1481): GAFVKKISLS[Pro1471Ser]FSTTDSAYEW